The following is an entry in ClinVar:

NM_001347721.2(DYRK1A):c.*4006A>G

Gene: DYRK1A (dual specificity tyrosine phosphorylation regulated kinase 1A; plus strand). Cytogenetic location: 21q22.13.
Variant type: single nucleotide variant.
Coding change: c.*4006A>G on transcript NM_001347721.2 (MANE Select); 4006 bases downstream of the stop codon, A replaced by G.
Molecular consequence: 3 prime UTR variant.
Genome position (GRCh38, 1-based): chr21:37,516,537, A>G. VCF-style: chr21-37516537-A-G. GRCh37 (hg19) VCF-style: chr21-38888840-A-G.
Other names: c.*4006A>G (NM_001347722.2, NM_001347723.2, NM_001396.5).
Identifiers: ClinVar variation 4848661 (VCV004848661.1).

ClinVar aggregate classification (germline): Likely benign (1 of 4 stars; one submission).

gnomAD v4.1: 2 of 152,202 alleles (0.0013%); highest among the groups gnomAD compares: Non-Finnish European, 0.0029%; no homozygotes.

Submission:

Women's Health and Genetics/Laboratory Corporation of America, LabCorp
Classification: Likely benign. Last evaluated: 2026-04-13. Review status: criteria provided, single submitter. Criteria: LabCorp Variant Classification Summary - May 2015. Collection method: clinical testing. Allele origin: germline.
Comment: Variant summary: DYRK1A c.*4006A>G is located in the untranslated mRNA region downstream of the termination codon. The variant allele was found at a frequency of 1.3e-05 in 152202 control chromosomes. The observation of controls in the gnomAD database is not consistent with the severe/early onset presentation of DYRK1A-related conditions. The available data on variant occurrences in the general population are insufficient to allow any conclusion about variant significance. To our knowledge, no occurrence of c.*4006A>G in individuals affected with DYRK1A-related conditions and no experimental evidence demonstrating its impact on protein function have been reported. No submitters have cited clinical-significance assessments for this variant to ClinVar. Based on the evidence outlined above, the variant was classified as likely benign.